The following is an entry in ClinVar:

ClinVar aggregate classification (germline): Uncertain significance. Review status: criteria provided, multiple submitters, no conflicts (2 of 4 stars). 2 submissions from 2 submitters: Uncertain significance (2). Last evaluated 2025-05-28.

Conditions:
Inborn genetic diseases. Identifiers: MedGen C0950123, MeSH D030342.

Allele frequency attached by ClinVar (database versions not stated): gnomAD 0.00001; TOPMed 0.00003; ExAC 0.00016.
gnomAD v4.1: 13 of 1,492,098 alleles (0.00087%); highest among the groups gnomAD compares: Middle Eastern, 0.019%; no homozygotes.

Submissions (2):

Ambry Genetics
Classification: Uncertain significance for Inborn genetic diseases. Last evaluated: 2025-05-28. Review status: criteria provided, single submitter. Criteria: Ambry Variant Classification Scheme 2023. Collection method: clinical testing. Allele origin: germline.

Labcorp Genetics (formerly Invitae), Labcorp
Classification: Uncertain significance. Last evaluated: 2022-11-15. Review status: criteria provided, single submitter. Criteria: Invitae Variant Classification Sherloc (09022015). Collection method: clinical testing. Allele origin: germline.
Comment: Advanced modeling of protein sequence and biophysical properties (such as structural, functional, and spatial information, amino acid conservation, physicochemical variation, residue mobility, and thermodynamic stability) performed at Invitae indicates that this missense variant is expected to disrupt APC2 protein function. This variant has not been reported in the literature in individuals affected with APC2-related conditions. The frequency data for this variant in the population databases is considered unreliable, as metrics indicate poor data quality at this position in the gnomAD database. This sequence change replaces histidine, which is basic and polar, with tyrosine, which is neutral and polar, at codon 1441 of the APC2 protein (p.His1441Tyr). In summary, the available evidence is currently insufficient to determine the role of this variant in disease. Therefore, it has been classified as a Variant of Uncertain Significance.

NM_005883.3(APC2):c.4321C>T (p.His1441Tyr)

Gene: APC2 (APC regulator of Wnt signaling pathway 2; plus strand). Cytogenetic location: 19p13.3.
Variant type: single nucleotide variant.
Coding change: c.4321C>T on transcript NM_005883.3 (MANE Select); coding-DNA position 4321, C replaced by T.
Protein change: p.His1441Tyr; replaces histidine 1441 with tyrosine.
Molecular consequence: missense variant.
Genome position (GRCh38, 1-based): chr19:1,467,622, C>T. VCF-style: chr19-1467622-C-T. GRCh37 (hg19) VCF-style: chr19-1467621-C-T.
Other names: c.4318C>T, p.His1440Tyr (NM_001351273.1); short protein forms H1440Y, H1441Y.
Identifiers: ClinVar variation 1980967 (VCV001980967.6), dbSNP rs759977743, ClinGen allele CA9045800.